The following is an entry in ClinVar:

ClinVar aggregate classification (germline): Likely pathogenic. Review status: criteria provided, multiple submitters, no conflicts (2 of 4 stars). 2 submissions from 2 submitters: Likely pathogenic (2). Last evaluated 2023-01-24.

Conditions:
PLA2G6-associated neurodegeneration (PLAN). Also called: phospholipase A2-associated neurodegeneration. Identifiers: Orphanet 329303, MedGen CN204472, MONDO:0017998.

Allele frequency attached by ClinVar (database versions not stated): gnomAD exomes below 0.00001.
gnomAD v4.1: 2 of 1,613,860 alleles (0.00012%); highest among the groups gnomAD compares: Non-Finnish European, 0.00017%; no homozygotes.

Submissions (2):

Broad Center for Mendelian Genomics, Broad Institute of MIT and Harvard
Classification: Likely pathogenic for PLA2G6-associated neurodegeneration. Last evaluated: 2023-01-24. Review status: criteria provided, single submitter. Criteria: ACMG Guidelines, 2015. Collection method: curation. Allele origin: germline. Inheritance: Autosomal recessive inheritance.
Comment: The p.Gln100Ter variant in PLA2G6 has not been previously reported in the literature in individuals with PLA2G6-associated neurodegeneration but has been identified in 0.0009% (1/113384) of European (non-Finnish) chromosomes by the Genome Aggregation Database (gnomAD; dbSNP ID: rs1416924105). Although this variant has been seen in the general population in a heterozygous state, its frequency is low enough to be consistent with a recessive carrier frequency. This variant has also been reported in ClinVar (Variation ID#: 432695) and has been interpreted as likely pathogenic by GeneDx. This nonsense variant leads to a premature termination codon at position 100, which is predicted to lead to a truncated or absent protein. Loss of function of the PLA2G6 gene is an established disease mechanism in PLA2G6-associated neurodegeneration. In summary, although additional studies are required to fully establish its clinical significance, this variant is likely pathogenic for autosomal recessive PLA2G6-associated neurodegeneration. ACMG/AMP Criteria applied: PVS1, PM2 (Richards 2015).

GeneDx
Classification: Likely pathogenic. Last evaluated: 2017-06-16. Review status: criteria provided, single submitter. Criteria: GeneDx Variant Classification (06012015). Collection method: clinical testing. Allele origin: germline. Affected: yes.
Comment: The Q100X variant in the PLA2G6 gene has not been reported previously as a pathogenic variant, nor as a benign variant, to our knowledge. This variant is predicted to cause loss of normal protein function either through protein truncation or nonsense-mediated mRNA decay. The Q100X variant is not observed in large population cohorts (Lek et al., 2016; 1000 Genomes Consortium et al., 2015; Exome Variant Server). We interpret Q100X as a likely pathogenic variant.

NM_003560.4(PLA2G6):c.298C>T (p.Gln100Ter)

Gene: PLA2G6 (phospholipase A2 group VI; minus strand). Cytogenetic location: 22q13.1.
Variant type: single nucleotide variant.
Coding change: c.298C>T on transcript NM_003560.4 (MANE Select); coding-DNA position 298, C replaced by T.
Protein change: p.Gln100Ter; replaces glutamine 100 with a stop codon.
Molecular consequence: nonsense. On other transcripts: 5 prime UTR variant (3).
Genome position (GRCh38, 1-based): chr22:38,145,565, G>A on the plus strand (C>T on the coding strand, the complement: PLA2G6 is on the minus strand). VCF-style: chr22-38145565-G-A. GRCh37 (hg19) VCF-style: chr22-38541572-G-A.
Other names: NM_003560.4(PLA2G6):c.298C>T; p.Gln100Ter; c.298C>T, p.Gln100Ter (NM_001004426.3, NM_001199562.3, NM_001349864.2 and 2 more transcripts); c.-237C>T (NM_001349867.2, NM_001349869.2); c.-193C>T (NM_001349868.2); short protein forms Q100*.
Identifiers: ClinVar variation 432695 (VCV000432695.4), dbSNP rs1416924105, ClinGen allele CA411532341.